The following is an entry in ClinVar:

ClinVar aggregate classification (germline): Uncertain significance (1 of 4 stars; one submission).

Conditions:
Hyperaldosteronism, familial, type IV (HALD4). Also called: FH IV; ALDOSTERONISM, PRIMARY, AND HYPERTENSION. Identifiers: Orphanet 642671, MedGen C4310756, MONDO:0014875, OMIM 617027.
Idiopathic generalized epilepsy. Also called: EIG; Generalised epilepsy. Identifiers: MedGen C0270850, MONDO:0005579, OMIM 600669.

gnomAD v4.1: 5 of 1,560,822 alleles (0.00032%); highest among the groups gnomAD compares: Non-Finnish European, 0.00017%; no homozygotes.

Submission:

Labcorp Genetics (formerly Invitae), Labcorp
Classification: Uncertain significance for Idiopathic generalized epilepsy; Hyperaldosteronism, familial, type IV. Last evaluated: 2025-06-11. Review status: criteria provided, single submitter. Criteria: Invitae Variant Classification Sherloc (09022015). Collection method: clinical testing. Allele origin: germline.
Comment: This sequence change replaces aspartic acid, which is acidic and polar, with glutamic acid, which is acidic and polar, at codon 1873 of the CACNA1H protein (p.Asp1873Glu). This variant is present in population databases (no rsID available, gnomAD no frequency). This variant has not been reported in the literature in individuals affected with CACNA1H-related conditions. Invitae Evidence Modeling of protein sequence and biophysical properties (such as structural, functional, and spatial information, amino acid conservation, physicochemical variation, residue mobility, and thermodynamic stability) indicates that this missense variant is not expected to disrupt CACNA1H protein function with a negative predictive value of 80%. In summary, the available evidence is currently insufficient to determine the role of this variant in disease. Therefore, it has been classified as a Variant of Uncertain Significance.

NM_021098.3(CACNA1H):c.5619T>A (p.Asp1873Glu)

Gene: CACNA1H (calcium voltage-gated channel subunit alpha1 H; plus strand). Cytogenetic location: 16p13.3.
Variant type: single nucleotide variant.
Coding change: c.5619T>A on transcript NM_021098.3 (MANE Select); coding-DNA position 5619, T replaced by A.
Protein change: p.Asp1873Glu; replaces aspartic acid 1873 with glutamic acid.
Molecular consequence: missense variant.
Genome position (GRCh38, 1-based): chr16:1,218,383, T>A. VCF-style: chr16-1218383-T-A. GRCh37 (hg19) VCF-style: chr16-1268383-T-A.
Other names: c.5601T>A, p.Asp1867Glu (NM_001005407.2); short protein forms D1867E, D1873E.
Identifiers: ClinVar variation 4791688 (VCV004791688.1).